The following is an entry in ClinVar:

NM_004793.4(LONP1):c.2443C>G (p.Arg815Gly)

Gene: LONP1 (lon peptidase 1, mitochondrial; minus strand). Cytogenetic location: 19p13.3.
Variant type: single nucleotide variant.
Coding change: c.2443C>G on transcript NM_004793.4 (MANE Select); coding-DNA position 2443, C replaced by G.
Protein change: p.Arg815Gly; replaces arginine 815 with glycine.
Molecular consequence: missense variant. On other transcripts: non-coding transcript variant (1).
Genome position (GRCh38, 1-based): chr19:5,693,647, G>C on the plus strand (C>G on the coding strand, the complement: LONP1 is on the minus strand). VCF-style: chr19-5693647-G-C. GRCh37 (hg19) VCF-style: chr19-5693658-G-C.
Other names: c.2251C>G, p.Arg751Gly (NM_001276479.2); c.1855C>G, p.Arg619Gly (NM_001276480.1); short protein forms R619G, R751G, R815G.
Identifiers: ClinVar variation 3713467 (VCV003713467.2).
Genomic context (GRCh38, chr19:5,693,647, plus strand): 5'-GGTAGTCATTGGCGGGGGCGTGCTGCATGAGGAAGGCTCTGGCGAAGGTGTAGGCTATGC[G>C]GGCGCTCTCCTTCATCACCTCCCCCAGCTGGCCTGTCACCTCCAGGCTGCCATCCTTGTC-3'
Protein context (NP_004784.2, residues 805-825): QLGEVMKESA[Arg815Gly]IAYTFARAFL

ClinVar aggregate classification (germline): Uncertain significance (1 of 4 stars; one submission).

gnomAD v4.1: 3 of 1,614,026 alleles (0.00019%); highest among the groups gnomAD compares: Admixed American, 0.0033%; no homozygotes.

Submission:

Labcorp Genetics (formerly Invitae), Labcorp
Classification: Uncertain significance. Last evaluated: 2024-04-08. Review status: criteria provided, single submitter. Criteria: Invitae Variant Classification Sherloc (09022015). Collection method: clinical testing. Allele origin: germline.
Comment: This sequence change replaces arginine, which is basic and polar, with glycine, which is neutral and non-polar, at codon 815 of the LONP1 protein (p.Arg815Gly). This variant is present in population databases (no rsID available, gnomAD no frequency). This variant has not been reported in the literature in individuals affected with LONP1-related conditions. Advanced modeling of protein sequence and biophysical properties (such as structural, functional, and spatial information, amino acid conservation, physicochemical variation, residue mobility, and thermodynamic stability) performed at Invitae indicates that this missense variant is not expected to disrupt LONP1 protein function with a negative predictive value of 80%. In summary, the available evidence is currently insufficient to determine the role of this variant in disease. Therefore, it has been classified as a Variant of Uncertain Significance.